The following is an entry in ClinVar:

ClinVar aggregate classification (germline): Likely benign (1 of 4 stars; one submission).

Allele frequency attached by ClinVar (database versions not stated): ExAC 0.00001.
gnomAD v4.1: 7 of 1,612,880 alleles (0.00043%); highest among the groups gnomAD compares: Non-Finnish European, 0.00059%; no homozygotes.

Submission:

CeGaT Center for Human Genetics Tuebingen
Classification: Likely benign. Last evaluated: 2024-01-01. Review status: criteria provided, single submitter. Criteria: CeGaT Center For Human Genetics Tuebingen Variant Classification Criteria Version 2. Collection method: clinical testing. Allele origin: germline. Affected: yes. Observed: 1 variant allele.
Comment: OMP: BP4, BP7

NM_006189.1(OMP):c.78G>A (p.Arg26=)

Genes: CAPN5 (calpain 5; plus strand), OMP (olfactory marker protein; plus strand). Cytogenetic location: 11q13.5.
Variant type: single nucleotide variant.
Coding change: c.78G>A on transcript NM_006189.1 (MANE Select); coding-DNA position 78, G replaced by A.
Protein change: p.Arg26=; no amino-acid change (arginine 26 retained).
Molecular consequence: synonymous variant. On other transcripts: intron variant (1).
Genome position (GRCh38, 1-based): chr11:77,102,917, G>A. VCF-style: chr11-77102917-G-A. GRCh37 (hg19) VCF-style: chr11-76813963-G-A.
Other names: c.297+9104G>A (NM_004055.5).
Identifiers: ClinVar variation 3026411 (VCV003026411.22), dbSNP rs782145291, ClinGen allele CA6196278.